The following is an entry in ClinVar:

ClinVar aggregate classification (germline): Pathogenic (1 of 4 stars; one submission).

Conditions:
Polycystic kidney disease, adult type (PKD1). Also called: Polycystic Kidney, Autosomal Dominant; POLYCYSTIC KIDNEY DISEASE 1 WITH OR WITHOUT POLYCYSTIC LIVER DISEASE; POLYCYSTIC KIDNEY DISEASE, ADULT, TYPE I; Polycystic Kidney Disease 1, Autosomal Dominant; Polycystic kidney disease 1; Polycystic kidney disease 1, severe. Identifiers: MedGen C3149841, MONDO:0008263, OMIM 173900.

Submission:

Juno Genomics, Hangzhou Juno Genomics, Inc
Classification: Pathogenic for Polycystic kidney disease, adult type. Review status: criteria provided, single submitter. Criteria: ACMG Guidelines, 2015. Collection method: clinical testing. Allele origin: germline. Affected: yes.
Comment: Absent from controls (or at extremely low frequency if recessive) in Genome Aggregation Database, Exome Sequencing Project, 1000 Genomes Project, or Exome Aggregation Consortium.;Null variant in a gene where loss of function (LOF) is a known mechanism of disease.;Patient's phenotype or family history is highly specific for a disease with a single genetic etiology.

NM_001009944.3(PKD1):c.12237dup (p.Trp4080fs)

Gene: PKD1 (polycystin 1, transient receptor potential channel interacting; minus strand). Cytogenetic location: 16p13.3.
Variant type: Duplication.
Coding change: c.12237dup on transcript NM_001009944.3 (MANE Select); coding-DNA position 12237, one base duplicated (C; older notation c.12237dupC).
Protein change: p.Trp4080fs; shifts the reading frame from tryptophan 4080.
Molecular consequence: frameshift variant.
Genome position (GRCh38, 1-based): chr16:2,090,492, G duplicated on the plus strand (C on the coding strand, the reverse complement: PKD1 is on the minus strand); the first of 2 consecutive G bases (chr16:2,090,492-2,090,493); duplicating either gives the same sequence. VCF-style (leftmost placement, unchanged base first): chr16-2090491-A-AG. GRCh37 (hg19) VCF-style: chr16-2140492-A-AG.
Other names: c.12234dup, p.Trp4079fs (NM_000296.4); short protein forms W4080fs, W4079fs.
Identifiers: ClinVar variation 3335862 (VCV003335862.2).